The following is an entry in ClinVar:

ClinVar aggregate classification (germline): Benign (1 of 4 stars; one submission).

Allele frequency attached by ClinVar (database versions not stated): 1000 Genomes Project 0.03335; 1000 Genomes Project 30x 0.03498; gnomAD 0.04861 and 0.04964; TOPMed 0.05095.
gnomAD v4.1: 7,557 of 151,252 alleles (5%); highest among the groups gnomAD compares: Non-Finnish European, 7.2%; 253 homozygotes.

Submission:

GeneDx
Classification: Benign. Last evaluated: 2018-06-19. Review status: criteria provided, single submitter. Criteria: GeneDx Variant Classification (06012015). Collection method: clinical testing. Allele origin: germline. Affected: yes.
Comment: This variant is considered likely benign or benign based on one or more of the following criteria: it is a conservative change, it occurs at a poorly conserved position in the protein, it is predicted to be benign by multiple in silico algorithms, and/or has population frequency not consistent with disease.

NM_001377.3(DYNC2H1):c.5335-212G>A

Gene: DYNC2H1 (dynein cytoplasmic 2 heavy chain 1; plus strand). Cytogenetic location: 11q22.3.
Variant type: single nucleotide variant.
Coding change: c.5335-212G>A on transcript NM_001377.3 (MANE Select); 212 bases into the intron before coding-DNA position 5335, G replaced by A.
Molecular consequence: intron variant.
Genome position (GRCh38, 1-based): chr11:103,172,870, G>A. VCF-style: chr11-103172870-G-A. GRCh37 (hg19) VCF-style: chr11-103043599-G-A.
Other names: c.5335-212G>A (NM_001080463.2).
Identifiers: ClinVar variation 674031 (VCV000674031.1), dbSNP rs72989748, ClinGen allele CA15703888.